The following is an entry in ClinVar:

ClinVar aggregate classification (germline): Benign. Review status: criteria provided, multiple submitters, no conflicts (2 of 4 stars). 5 submissions from 5 submitters: Benign (5). Last evaluated 2026-02-02.

Conditions:
Infantile-onset X-linked spinal muscular atrophy. Also called: Spinal muscular atrophy, X-linked 2; AMC, DISTAL, X-LINKED; ARTHROGRYPOSIS, X-LINKED, TYPE I; SPINAL MUSCULAR ATROPHY, X-LINKED LETHAL INFANTILE; Spinal Muscular Atrophy, X-Linked Infantile. Identifiers: Orphanet 1145, MedGen C1844934, MONDO:0010532, OMIM 301830.

Allele frequency attached by ClinVar (database versions not stated): gnomAD exomes 0.00817 and 0.02286; ExAC 0.03435; gnomAD 0.08227 and 0.08755; TOPMed 0.09403; 1000 Genomes Project 0.09642; 1000 Genomes Project 30x 0.09865; ESP Exome Variant Server 0.10234.
gnomAD v4.1: 18,680 of 1,209,034 alleles (1.5%); highest among the groups gnomAD compares: African/African-American, 28%; 1,785 homozygotes.

Submissions (5):

Labcorp Genetics (formerly Invitae), Labcorp
Classification: Benign for Infantile-onset X-linked spinal muscular atrophy. Last evaluated: 2026-02-02. Review status: criteria provided, single submitter. Criteria: Invitae Variant Classification Sherloc (09022015). Collection method: clinical testing. Allele origin: germline.

Mayo Clinic Laboratories, Mayo Clinic
Classification: Benign. Last evaluated: 2022-03-24. Review status: criteria provided, single submitter. Criteria: ACMG Guidelines, 2015. Collection method: clinical testing. Allele origin: germline. Observed: 29 variant alleles.

Illumina Laboratory Services, Illumina
Classification: Benign for Infantile-onset X-linked spinal muscular atrophy. Last evaluated: 2018-01-12. Review status: criteria provided, single submitter. Criteria: ICSL Variant Classification Criteria 13 December 2019. Collection method: clinical testing. Allele origin: germline.
Comment: This variant was observed in the ICSL laboratory as part of a predisposition screen in an ostensibly healthy population. It had not been previously curated by ICSL or reported in the Human Gene Mutation Database (HGMD: prior to June 1st, 2018), and was therefore a candidate for classification through an automated scoring system. Utilizing variant allele frequency, disease prevalence and penetrance estimates, and inheritance mode, an automated score was calculated to assess if this variant is too frequent to cause the disease. Based on the score and internal cut-off values, a variant classified as benign is not then subjected to further curation. The score for this variant resulted in a classification of benign for this disease.

GeneDx
Classification: Benign. Last evaluated: 2016-03-04. Review status: criteria provided, single submitter. Criteria: GeneDx Variant Classification (06012015). Collection method: clinical testing. Allele origin: germline. Affected: yes.
Comment: This variant is considered likely benign or benign based on one or more of the following criteria: it is a conservative change, it occurs at a poorly conserved position in the protein, it is predicted to be benign by multiple in silico algorithms, and/or has population frequency not consistent with disease.

Breakthrough Genomics
Classification: Benign. Review status: criteria provided, single submitter. Criteria: ACMG Guidelines, 2015. Collection method: not provided. Allele origin: germline. Inheritance: Other. Affected: yes.

NM_003334.4(UBA1):c.2220G>A (p.Pro740=)

Gene: UBA1 (ubiquitin like modifier activating enzyme 1; plus strand). Cytogenetic location: Xp11.3.
Variant type: single nucleotide variant.
Coding change: c.2220G>A on transcript NM_003334.4 (MANE Select); coding-DNA position 2220, G replaced by A.
Protein change: p.Pro740=; no amino-acid change (proline 740 retained).
Molecular consequence: synonymous variant.
Genome position (GRCh38, 1-based): chrX:47,210,862, G>A. VCF-style: chrX-47210862-G-A. GRCh37 (hg19) VCF-style: chrX-47070261-G-A.
Other names: p.Pro740=; c.2220G>A, p.Pro740= (NM_153280.3).
Identifiers: ClinVar variation 368342 (VCV000368342.16), dbSNP rs2230147, ClinGen allele CA10396088.